The following is an entry in ClinVar:

ClinVar aggregate classification (germline): Benign/Likely benign. Review status: criteria provided, multiple submitters, no conflicts (2 of 4 stars). 3 submissions from 3 submitters: Benign (1); Likely benign (2). Last evaluated 2025-06-02.

Conditions:
Hereditary cancer-predisposing syndrome. Also called: Neoplastic Syndromes, Hereditary; Hereditary Cancer Syndrome; Hereditary neoplastic syndrome; Tumor predisposition. Identifiers: Orphanet 140162, MedGen C0027672, MeSH D009386, MONDO:0015356.
Tuberous sclerosis 2 (TSC2). Identifiers: Orphanet 805, MedGen C1860707, MONDO:0013199, OMIM 613254.

Allele frequency attached by ClinVar (database versions not stated): gnomAD exomes below 0.00001.
gnomAD v4.1: 3 of 1,611,514 alleles (0.00019%); highest among the groups gnomAD compares: Middle Eastern, 0.017%; no homozygotes.

Submissions (3):

Myriad Genetics, Inc.
Classification: Benign for Tuberous sclerosis 2. Last evaluated: 2025-06-02. Review status: criteria provided, single submitter. Criteria: Myriad Autosomal Dominant, Autosomal Recessive and X-Linked Classification Criteria (2023). Collection method: clinical testing. Allele origin: unknown.
Comment: This variant is considered benign. This variant is a silent/synonymous amino acid change and it is not expected to impact splicing.

Labcorp Genetics (formerly Invitae), Labcorp
Classification: Likely benign for Tuberous sclerosis 2. Last evaluated: 2024-11-04. Review status: criteria provided, single submitter. Criteria: Invitae Variant Classification Sherloc (09022015). Collection method: clinical testing. Allele origin: germline.

Ambry Genetics
Classification: Likely benign for Hereditary cancer-predisposing syndrome. Last evaluated: 2019-05-30. Review status: criteria provided, single submitter. Criteria: Ambry Variant Classification Scheme 2023. Collection method: clinical testing. Allele origin: germline.

NM_000548.5(TSC2):c.3970C>T (p.Leu1324=)

Gene: TSC2 (TSC complex subunit 2; plus strand). Cytogenetic location: 16p13.3.
Variant type: single nucleotide variant.
Coding change: c.3970C>T on transcript NM_000548.5 (MANE Select); coding-DNA position 3970, C replaced by T.
Protein change: p.Leu1324=; no amino-acid change (leucine 1324 retained).
Molecular consequence: synonymous variant.
Genome position (GRCh38, 1-based): chr16:2,083,781, C>T. VCF-style: chr16-2083781-C-T. GRCh37 (hg19) VCF-style: chr16-2133782-C-T.
Other names: c.3769C>T, p.Leu1257= (NM_001077183.3); c.3901C>T, p.Leu1301= (NM_001114382.3); c.3661C>T, p.Leu1221= (NM_001318827.2); c.3625C>T, p.Leu1209= (NM_001318829.2); c.3238C>T, p.Leu1080= (NM_001318831.2); c.3802C>T, p.Leu1268= (NM_001318832.2); c.3772C>T, p.Leu1258= (NM_001363528.2); c.3838C>T, p.Leu1280= (NM_001370404.1); and 1 more.
Identifiers: ClinVar variation 824445 (VCV000824445.10), dbSNP rs549060036, ClinGen allele CA492956724.
Genomic context (GRCh38, chr16:2,083,781, plus strand): 5'-AGTCCGGGCGAGGTTCCTGTGCTGGTGGAGCCCCCAGGGTTGGAGGACGTTGAGGCAGCG[C>T]TAGGCATGGACAGGCGCACGGATGCCTACAGCAGGGTGAGTGTGGCTCAGAGCCTGGACC-3'
Protein context (NP_000539.2, residues 1314-1334): PPGLEDVEAA[Leu1324=]GMDRRTDAYS